The following is an entry in ClinVar:

NM_018993.4(RIN2):c.2571G>A (p.Lys857=)

Gene: RIN2 (Ras and Rab interactor 2; plus strand). Cytogenetic location: 20p11.23.
Variant type: single nucleotide variant.
Coding change: c.2571G>A on transcript NM_018993.4 (MANE Select); coding-DNA position 2571, G replaced by A.
Protein change: p.Lys857=; no amino-acid change (lysine 857 retained).
Molecular consequence: synonymous variant.
Genome position (GRCh38, 1-based): chr20:20,000,819, G>A. VCF-style: chr20-20000819-G-A. GRCh37 (hg19) VCF-style: chr20-19981463-G-A.
Other names: c.2718G>A, p.Lys906= (NM_001242581.2); c.1953G>A, p.Lys651= (NM_001378238.1).
Identifiers: ClinVar variation 510507 (VCV000510507.36), dbSNP rs149821491, ClinGen allele CA9780323.
Genomic context (GRCh38, chr20:20,000,819, plus strand): 5'-TCTCTTCGTTGACGAGACATGGCAGCAGCTGGCAGAGGACACTTACCCTCAAAAAATCAA[G>A]GCGGAGCTGCACAGCCGACCACAGCCCCACATCTTCCACTTTGTCTACAAACGCATCAAG-3'
Protein context (NP_061866.1, residues 847-867): LAEDTYPQKI[Lys857=]AELHSRPQPH

ClinVar aggregate classification (germline): Benign/Likely benign. Review status: criteria provided, multiple submitters, no conflicts (2 of 4 stars). 4 submissions from 4 submitters: Benign (1); Likely benign (3). Last evaluated 2026-01-24.

Allele frequency attached by ClinVar (database versions not stated): gnomAD exomes 0.00078 and 0.00029; ExAC 0.00091; ESP Exome Variant Server 0.00224; TOPMed 0.00271; gnomAD 0.00278 and 0.00295; 1000 Genomes Project 0.00399; 1000 Genomes Project 30x 0.00437.
gnomAD v4.1: 869 of 1,613,964 alleles (0.054%); highest among the groups gnomAD compares: African/African-American, 0.98%; 4 homozygotes.

Submissions (4):

Labcorp Genetics (formerly Invitae), Labcorp
Classification: Benign. Last evaluated: 2026-01-24. Review status: criteria provided, single submitter. Criteria: Invitae Variant Classification Sherloc (09022015). Collection method: clinical testing. Allele origin: germline.

Blueprint Genetics
Classification: Likely benign. Last evaluated: 2024-10-08. Review status: criteria provided, single submitter. Criteria: ACMG Guidelines, 2015. Collection method: clinical testing. Allele origin: germline.

CeGaT Center for Human Genetics Tuebingen
Classification: Likely benign. Last evaluated: 2023-12-01. Review status: criteria provided, single submitter. Criteria: CeGaT Center For Human Genetics Tuebingen Variant Classification Criteria Version 2. Collection method: clinical testing. Allele origin: germline. Affected: yes. Observed: 1 variant allele.
Comment: RIN2: BP4, BP7, BS1

GeneDx
Classification: Likely benign. Last evaluated: 2021-09-09. Review status: criteria provided, single submitter. Criteria: GeneDx Variant Classification Process June 2021. Collection method: clinical testing. Allele origin: germline. Affected: yes.